The following is an entry in ClinVar:

ClinVar aggregate classification (germline): Likely benign (1 of 4 stars; one submission).

Allele frequency attached by ClinVar (database versions not stated): ExAC 0.00001; gnomAD 0.00001; gnomAD exomes 0.00001.
gnomAD v4.1: 11 of 1,614,078 alleles (0.00068%); highest among the groups gnomAD compares: East Asian, 0.0045%; no homozygotes.

Submission:

CeGaT Center for Human Genetics Tuebingen
Classification: Likely benign. Last evaluated: 2023-03-01. Review status: criteria provided, single submitter. Criteria: CeGaT Center For Human Genetics Tuebingen Variant Classification Criteria Version 2. Collection method: clinical testing. Allele origin: germline. Affected: yes. Observed: 1 variant allele.
Comment: MADD: BP4, BP7

NM_001376571.1(MADD):c.780C>T (p.Pro260=)

Gene: MADD (MAP kinase activating death domain; plus strand). Cytogenetic location: 11p11.2.
Variant type: single nucleotide variant.
Coding change: c.780C>T on transcript NM_001376571.1 (MANE Select); coding-DNA position 780, C replaced by T.
Protein change: p.Pro260=; no amino-acid change (proline 260 retained).
Molecular consequence: synonymous variant. On other transcripts: non-coding transcript variant (8).
Genome position (GRCh38, 1-based): chr11:47,276,019, C>T. VCF-style: chr11-47276019-C-T. GRCh37 (hg19) VCF-style: chr11-47297570-C-T.
Other names: c.780C>T, p.Pro260= (NM_001135943.2, NM_001135944.2, NM_001376572.1 and 80 more transcripts); c.576C>T, p.Pro192= (NM_001376620.1, NM_001376626.1, NM_001376627.1 and 9 more transcripts); c.114C>T, p.Pro38= (NM_001376663.1).
Identifiers: ClinVar variation 2641761 (VCV002641761.24), dbSNP rs766388333, ClinGen allele CA5973967.
Genomic context (GRCh38, chr11:47,276,019, plus strand): 5'-TCTGCATGACCTTCGAGAGATTGAGGCCTGGATCTATCGATTGCTGCGCTCCCCAGTACC[C>T]GTCTCTGGGCAGAAGCGAGTAGACATCGAGGTCCTACCCCAAGAGCTCCAGCCAGCTCTG-3'
Protein context (NP_001363500.1, residues 250-270): WIYRLLRSPV[Pro260=]VSGQKRVDIE